The following is an entry in ClinVar:

NM_001378778.1(MPDZ):c.4558G>C (p.Asp1520His)

Gene: MPDZ (multiple PDZ domain crumbs cell polarity complex component; minus strand). Cytogenetic location: 9p23.
Variant type: single nucleotide variant.
Coding change: c.4558G>C on transcript NM_001378778.1 (MANE Select); coding-DNA position 4558, G replaced by C.
Protein change: p.Asp1520His; replaces aspartic acid 1520 with histidine.
Molecular consequence: missense variant.
Genome position (GRCh38, 1-based): chr9:13,126,590, C>G on the plus strand (G>C on the coding strand, the complement: MPDZ is on the minus strand). VCF-style: chr9-13126590-C-G. GRCh37 (hg19) VCF-style: chr9-13126589-C-G.
Other names: c.4558G>C (NM_003829.3); c.4459G>C, p.Asp1487His (NM_001261406.2, NM_001261407.2, NM_001375416.1 and 3 more transcripts); c.4558G>C, p.Asp1520His (NM_001330637.2, NM_003829.5); c.4657G>C, p.Asp1553His (NM_001375413.1); c.4348G>C, p.Asp1450His (NM_001375420.1, NM_001375421.1, NM_001375422.1 and 4 more transcripts); c.4150G>C, p.Asp1384His (NM_001375427.1); short protein forms D1384H, D1520H, D1553H, D1450H, D1487H.
Identifiers: ClinVar variation 1504826 (VCV001504826.6), dbSNP rs199839402, ClinGen allele CA372947036.

ClinVar aggregate classification (germline): Uncertain significance. Review status: criteria provided, multiple submitters, no conflicts (2 of 4 stars). 2 submissions from 2 submitters: Uncertain significance (2). Last evaluated 2025-08-13.

Conditions:
Inborn genetic diseases. Identifiers: MedGen C0950123, MeSH D030342.

gnomAD v4.1: 22 of 1,604,942 alleles (0.0014%); highest among the groups gnomAD compares: Non-Finnish European, 0.0018%; no homozygotes.

Submissions (2):

Ambry Genetics
Classification: Uncertain significance for Inborn genetic diseases. Last evaluated: 2025-08-13. Review status: criteria provided, single submitter. Criteria: Ambry Variant Classification Scheme 2023. Collection method: clinical testing. Allele origin: germline.

Labcorp Genetics (formerly Invitae), Labcorp
Classification: Uncertain significance. Last evaluated: 2022-06-20. Review status: criteria provided, single submitter. Criteria: Invitae Variant Classification Sherloc (09022015). Collection method: clinical testing. Allele origin: germline.
Comment: This sequence change replaces aspartic acid, which is acidic and polar, with histidine, which is basic and polar, at codon 1520 of the MPDZ protein (p.Asp1520His). This variant is present in population databases (no rsID available, gnomAD 0.004%). This variant has not been reported in the literature in individuals affected with MPDZ-related conditions. Algorithms developed to predict the effect of missense changes on protein structure and function (SIFT, PolyPhen-2, Align-GVGD) all suggest that this variant is likely to be disruptive. Algorithms developed to predict the effect of sequence changes on RNA splicing suggest that this variant may disrupt the consensus splice site. In summary, the available evidence is currently insufficient to determine the role of this variant in disease. Therefore, it has been classified as a Variant of Uncertain Significance.